The following is an entry in ClinVar:

NM_181458.4(PAX3):c.719G>C (p.Arg240Thr)

Gene: PAX3 (paired box 3; minus strand). Cytogenetic location: 2q36.1.
Variant type: single nucleotide variant.
Coding change: c.719G>C on transcript NM_181458.4 (MANE Select); coding-DNA position 719, G replaced by C.
Protein change: p.Arg240Thr; replaces arginine 240 with threonine.
Molecular consequence: missense variant.
Genome position (GRCh38, 1-based): chr2:222,232,151, C>G on the plus strand (G>C on the coding strand, the complement: PAX3 is on the minus strand). VCF-style: chr2-222232151-C-G. GRCh37 (hg19) VCF-style: chr2-223096870-C-G.
Other names: c.716G>C, p.Arg239Thr (NM_001127366.3); c.719G>C, p.Arg240Thr (NM_181457.4, NM_181459.4, NM_181460.4 and 1 more transcripts); short protein forms R239T, R240T.
Identifiers: ClinVar variation 3719830 (VCV003719830.2).

ClinVar aggregate classification (germline): Uncertain significance (1 of 4 stars; one submission).

Submission:

Labcorp Genetics (formerly Invitae), Labcorp
Classification: Uncertain significance. Last evaluated: 2025-06-06. Review status: criteria provided, single submitter. Criteria: Invitae Variant Classification Sherloc (09022015). Collection method: clinical testing. Allele origin: germline.
Comment: This sequence change replaces arginine, which is basic and polar, with threonine, which is neutral and polar, at codon 240 of the PAX3 protein (p.Arg240Thr). This variant is not present in population databases (gnomAD no frequency). This variant has not been reported in the literature in individuals affected with PAX3-related conditions. ClinVar contains an entry for this variant (Variation ID: 3719830). Invitae Evidence Modeling of protein sequence and biophysical properties (such as structural, functional, and spatial information, amino acid conservation, physicochemical variation, residue mobility, and thermodynamic stability) indicates that this missense variant is expected to disrupt PAX3 protein function with a positive predictive value of 80%. In summary, the available evidence is currently insufficient to determine the role of this variant in disease. Therefore, it has been classified as a Variant of Uncertain Significance.